The following is an entry in ClinVar:

NM_005216.5(DDOST):c.779C>T (p.Ala260Val)

Gene: DDOST (dolichyl-diphosphooligosaccharide--protein glycosyltransferase non-catalytic subunit; minus strand). Cytogenetic location: 1p36.12.
Variant type: single nucleotide variant.
Coding change: c.779C>T on transcript NM_005216.5 (MANE Select); coding-DNA position 779, C replaced by T.
Protein change: p.Ala260Val; replaces alanine 260 with valine.
Molecular consequence: missense variant.
Genome position (GRCh38, 1-based): chr1:20,654,238, G>A on the plus strand (C>T on the coding strand, the complement: DDOST is on the minus strand). VCF-style: chr1-20654238-G-A. GRCh37 (hg19) VCF-style: chr1-20980731-G-A.
Other names: short protein forms A260V.
Identifiers: ClinVar variation 4812198 (VCV004812198.1).
Genomic context (GRCh38, chr1:20,654,238, plus strand): 5'-ACTGCACCACCCGGATCCCCGGCCCCTAAGCCTCCTGGCAGCTACCTCTGGGAGCCGGGC[G>A]CCGCCTTCTGCACTGCTGAGTTGAAGAAGGAGTCGCTGAAGAAGTCGAGGGAGCCGCTGA-3'
Protein context (NP_005207.3, residues 250-270): SFFNSAVQKA[Ala260Val]PGSQRYSQTG

ClinVar aggregate classification (germline): Uncertain significance (1 of 4 stars; one submission).

Conditions:
Congenital disorder of glycosylation type Ir (CDG1R). Also called: DDOST-congenital disorder of glycosylation. Identifiers: Orphanet 300536, MedGen C3281084, MONDO:0013789, OMIM 614507.

gnomAD v4.1: 39 of 1,550,568 alleles (0.0025%); highest among the groups gnomAD compares: South Asian, 0.0071%; no homozygotes.

Submission:

Labcorp Genetics (formerly Invitae), Labcorp
Classification: Uncertain significance for Congenital disorder of glycosylation type Ir. Last evaluated: 2025-11-12. Review status: criteria provided, single submitter. Criteria: Invitae Variant Classification Sherloc (09022015). Collection method: clinical testing. Allele origin: germline.
Comment: This sequence change replaces alanine, which is neutral and non-polar, with valine, which is neutral and non-polar, at codon 277 of the DDOST protein (p.Ala277Val). This variant is present in population databases (rs753619089, gnomAD 0.009%). This missense change has been observed in individual(s) with bipolar disorder (PMID: 32383744). Invitae Evidence Modeling of protein sequence and biophysical properties (such as structural, functional, and spatial information, amino acid conservation, physicochemical variation, residue mobility, and thermodynamic stability) indicates that this missense variant is not expected to disrupt DDOST protein function with a negative predictive value of 80%. In summary, the available evidence is currently insufficient to determine the role of this variant in disease. Therefore, it has been classified as a Variant of Uncertain Significance.

Literature cited by the submitters: PubMed 32383744.